The following is an entry in ClinVar:

NM_001375567.1(FOCAD):c.1916C>G (p.Ala639Gly)

Gene: FOCAD (focadhesin; plus strand). Cytogenetic location: 9p21.3.
Variant type: single nucleotide variant.
Coding change: c.1916C>G on transcript NM_001375567.1 (MANE Select); coding-DNA position 1916, C replaced by G.
Protein change: p.Ala639Gly; replaces alanine 639 with glycine.
Molecular consequence: missense variant.
Genome position (GRCh38, 1-based): chr9:20,823,111, C>G. VCF-style: chr9-20823111-C-G. GRCh37 (hg19) VCF-style: chr9-20823110-C-G.
Other names: c.1811C>G, p.Ala604Gly (NM_001375568.1, NM_001375570.1); c.1916C>G, p.Ala639Gly (NM_017794.5); short protein forms A604G, A639G.
Identifiers: ClinVar variation 3649263 (VCV003649263.2).

ClinVar aggregate classification (germline): Uncertain significance (1 of 4 stars; one submission).

gnomAD v4.1: 17 of 1,604,478 alleles (0.0011%); highest among the groups gnomAD compares: African/African-American, 0.0013%; no homozygotes.

Submission:

Labcorp Genetics (formerly Invitae), Labcorp
Classification: Uncertain significance. Last evaluated: 2025-08-30. Review status: criteria provided, single submitter. Criteria: Invitae Variant Classification Sherloc (09022015). Collection method: clinical testing. Allele origin: germline.
Comment: This sequence change replaces alanine, which is neutral and non-polar, with glycine, which is neutral and non-polar, at codon 639 of the FOCAD protein (p.Ala639Gly). This variant is not present in population databases (gnomAD no frequency). This variant has not been reported in the literature in individuals affected with FOCAD-related conditions. ClinVar contains an entry for this variant (Variation ID: 3649263). Experimental studies and prediction algorithms are not available or were not evaluated, and the functional significance of this variant is currently unknown. Algorithms developed to predict the effect of sequence changes on RNA splicing suggest that this variant may disrupt the consensus splice site. In summary, the available evidence is currently insufficient to determine the role of this variant in disease. Therefore, it has been classified as a Variant of Uncertain Significance.